The following is an entry in ClinVar:

NM_025114.4(CEP290):c.1536G>T (p.Lys512Asn)

Gene: CEP290 (centrosomal protein 290; minus strand). Cytogenetic location: 12q21.32.
Variant type: single nucleotide variant.
Coding change: c.1536G>T on transcript NM_025114.4 (MANE Select); coding-DNA position 1536, G replaced by T.
Protein change: p.Lys512Asn; replaces lysine 512 with asparagine.
Molecular consequence: missense variant.
Genome position (GRCh38, 1-based): chr12:88,118,730, C>A on the plus strand (G>T on the coding strand, the complement: CEP290 is on the minus strand). VCF-style: chr12-88118730-C-A. GRCh37 (hg19) VCF-style: chr12-88512507-C-A.
Other names: short protein forms K512N.
Identifiers: ClinVar variation 648785 (VCV000648785.11), dbSNP rs750163383, ClinGen allele CA6712529.

ClinVar aggregate classification (germline): Uncertain significance. Review status: criteria provided, multiple submitters, no conflicts (2 of 4 stars). 3 submissions from 3 submitters: Uncertain significance (3). Last evaluated 2026-07-06.

Conditions:
CEP290-related disorder. Also called: CEP290-related condition; CEP290-related disorders. Identifiers: MedGen CN239314.
Meckel-Gruber syndrome. Also called: DYSENCEPHALIA SPLANCHNOCYSTICA; GRUBER SYNDROME; Dysencephalia splachnocystica. Identifiers: Orphanet 564, MedGen C0265215, MONDO:0018921.
Joubert syndrome. Also called: Familial aplasia of the vermis; JOUBERT-BOLTSHAUSER SYNDROME. Identifiers: Orphanet 475, MedGen C5979921, MONDO:0018772.
Nephronophthisis. Also called: Juvenile Nephronophthisis. Identifiers: Orphanet 655, MedGen C0687120, MONDO:0019005, HP:0000090.
Joubert syndrome 5 (JBTS5). Identifiers: Orphanet 2318, MedGen C1857780, MONDO:0012432, OMIM 610188.
Meckel syndrome, type 4 (MKS4). Also called: MECKEL-GRUBER SYNDROME, TYPE 4. Identifiers: Orphanet 564, MedGen C1970161, MONDO:0012626, OMIM 611134.
Leber congenital amaurosis 10 (LCA10). Identifiers: Orphanet 65, MedGen C1857821, MONDO:0012723, OMIM 611755.
Bardet-Biedl syndrome 14 (BBS14). Identifiers: Orphanet 110, MedGen C2673874, MONDO:0014442, OMIM 615991.
Senior-Loken syndrome 6 (SLSN6). Identifiers: Orphanet 3156, MedGen C1857779, MONDO:0012433, OMIM 610189.

Allele frequency attached by ClinVar (database versions not stated): gnomAD exomes below 0.00001; TOPMed below 0.00001; ExAC 0.00001; gnomAD 0.00001.
gnomAD v4.1: 1 of 1,611,376 alleles (0.000062%); highest among the groups gnomAD compares: Non-Finnish European, 0.000085%; no homozygotes.

Submissions (3):

PreventionGenetics, part of Exact Sciences
Classification: Uncertain significance for CEP290-related condition. Last evaluated: 2026-07-06. Review status: criteria provided, single submitter. Criteria: ACMG Guidelines, 2015. Collection method: clinical testing. Allele origin: germline.
Comment: The CEP290 c.1536G>T variant is predicted to result in the amino acid substitution p.Lys512Asn. To our knowledge, this variant has not been reported in the literature. This variant is reported in 0.00089% of alleles in individuals of European (Non-Finnish) descent in gnomAD. At this time, the clinical significance of this variant is uncertain due to the absence of conclusive functional and genetic evidence.

Fulgent Genetics
Classification: Uncertain significance for Joubert syndrome 5; Senior-Loken syndrome 6; Meckel syndrome, type 4; Leber congenital amaurosis 10; Bardet-Biedl syndrome 14. Last evaluated: 2024-03-07. Review status: criteria provided, single submitter. Criteria: ACMG Guidelines, 2015. Collection method: clinical testing. Allele origin: germline.

Labcorp Genetics (formerly Invitae), Labcorp
Classification: Uncertain significance for Joubert syndrome; Meckel-Gruber syndrome; Nephronophthisis. Last evaluated: 2024-02-17. Review status: criteria provided, single submitter. Criteria: Invitae Variant Classification Sherloc (09022015). Collection method: clinical testing. Allele origin: germline.
Comment: This sequence change replaces lysine, which is basic and polar, with asparagine, which is neutral and polar, at codon 512 of the CEP290 protein (p.Lys512Asn). This variant is present in population databases (rs750163383, gnomAD 0.0009%). This variant has not been reported in the literature in individuals affected with CEP290-related conditions. ClinVar contains an entry for this variant (Variation ID: 648785). Advanced modeling of protein sequence and biophysical properties (such as structural, functional, and spatial information, amino acid conservation, physicochemical variation, residue mobility, and thermodynamic stability) performed at Invitae indicates that this missense variant is not expected to disrupt CEP290 protein function with a negative predictive value of 80%. Algorithms developed to predict the effect of sequence changes on RNA splicing suggest that this variant may disrupt the consensus splice site. In summary, the available evidence is currently insufficient to determine the role of this variant in disease. Therefore, it has been classified as a Variant of Uncertain Significance.